The following is an entry in ClinVar:

NM_001348768.2(HECW2):c.3130G>A (p.Gly1044Ser)

Gene: HECW2 (HECT, C2 and WW domain containing E3 ubiquitin protein ligase 2; minus strand). Cytogenetic location: 2q32.3.
Variant type: single nucleotide variant.
Coding change: c.3130G>A on transcript NM_001348768.2 (MANE Select); coding-DNA position 3130, G replaced by A.
Protein change: p.Gly1044Ser; replaces glycine 1044 with serine.
Molecular consequence: missense variant.
Genome position (GRCh38, 1-based): chr2:196,278,533, C>T on the plus strand (G>A on the coding strand, the complement: HECW2 is on the minus strand). VCF-style: chr2-196278533-C-T. GRCh37 (hg19) VCF-style: chr2-197143257-C-T.
Other names: c.2062G>A, p.Gly688Ser (NM_001304840.3); c.3130G>A, p.Gly1044Ser (NM_020760.4); short protein forms G1044S, G688S.
Identifiers: ClinVar variation 3781206 (VCV003781206.1).

ClinVar aggregate classification (germline): Uncertain significance (1 of 4 stars; one submission).

Submission:

GeneDx
Classification: Uncertain significance. Last evaluated: 2024-10-15. Review status: criteria provided, single submitter. Criteria: GeneDx Variant Classification Process June 2021. Collection method: clinical testing. Allele origin: germline. Affected: yes.
Comment: Not observed at significant frequency in large population cohorts (gnomAD); In silico analysis supports that this missense variant has a deleterious effect on protein structure/function; Has not been previously published as pathogenic or benign to our knowledge